The following is an entry in ClinVar:

NM_003664.5(AP3B1):c.2812T>C (p.Ser938Pro)

Gene: AP3B1 (adaptor related protein complex 3 subunit beta 1; minus strand). Cytogenetic location: 5q14.1.
Variant type: single nucleotide variant.
Coding change: c.2812T>C on transcript NM_003664.5 (MANE Select); coding-DNA position 2812, T replaced by C.
Protein change: p.Ser938Pro; replaces serine 938 with proline.
Molecular consequence: missense variant.
Genome position (GRCh38, 1-based): chr5:78,034,443, A>G on the plus strand (T>C on the coding strand, the complement: AP3B1 is on the minus strand). VCF-style: chr5-78034443-A-G. GRCh37 (hg19) VCF-style: chr5-77330267-A-G.
Other names: c.2665T>C, p.Ser889Pro (NM_001271769.2); short protein forms S938P, S889P.
Identifiers: ClinVar variation 576228 (VCV000576228.12), dbSNP rs1002296977, ClinGen allele CA121596047.

ClinVar aggregate classification (germline): Uncertain significance. Review status: criteria provided, multiple submitters, no conflicts (2 of 4 stars). 2 submissions from 2 submitters: Uncertain significance (2). Last evaluated 2022-06-20.

Conditions:
Hermansky-Pudlak syndrome 2 (HPS2). Also called: Platelet defects and oculocutaneous albinism. Identifiers: Orphanet 183678, Orphanet 79430, MedGen C1842362, MONDO:0011997, OMIM 608233.

Allele frequency attached by ClinVar (database versions not stated): TOPMed below 0.00001; gnomAD exomes 0.00001.
gnomAD v4.1: 10 of 1,605,872 alleles (0.00062%); highest among the groups gnomAD compares: Non-Finnish European, 0.00085%; no homozygotes.

Submissions (2):

Labcorp Genetics (formerly Invitae), Labcorp
Classification: Uncertain significance for Hermansky-Pudlak syndrome 2. Last evaluated: 2022-06-20. Review status: criteria provided, single submitter. Criteria: Invitae Variant Classification Sherloc (09022015). Collection method: clinical testing. Allele origin: germline.
Comment: In summary, the available evidence is currently insufficient to determine the role of this variant in disease. Therefore, it has been classified as a Variant of Uncertain Significance. Algorithms developed to predict the effect of missense changes on protein structure and function (SIFT, PolyPhen-2, Align-GVGD) all suggest that this variant is likely to be tolerated. ClinVar contains an entry for this variant (Variation ID: 576228). This variant has not been reported in the literature in individuals affected with AP3B1-related conditions. This variant is not present in population databases (gnomAD no frequency). This sequence change replaces serine, which is neutral and polar, with proline, which is neutral and non-polar, at codon 938 of the AP3B1 protein (p.Ser938Pro).

Illumina Laboratory Services, Illumina
Classification: Uncertain significance for Hermansky-Pudlak syndrome 2. Last evaluated: 2018-01-15. Review status: criteria provided, single submitter. Criteria: ICSL Variant Classification Criteria 13 December 2019. Collection method: clinical testing. Allele origin: germline.